The following is an entry in ClinVar:

NM_144670.6(A2ML1):c.2242G>A (p.Gly748Arg)

Gene: A2ML1 (alpha-2-macroglobulin like 1; plus strand). Cytogenetic location: 12p13.31.
Variant type: single nucleotide variant.
Coding change: c.2242G>A on transcript NM_144670.6 (MANE Select); coding-DNA position 2242, G replaced by A.
Protein change: p.Gly748Arg; replaces glycine 748 with arginine.
Molecular consequence: missense variant.
Genome position (GRCh38, 1-based): chr12:8,851,791, G>A. VCF-style: chr12-8851791-G-A. GRCh37 (hg19) VCF-style: chr12-9004387-G-A.
Other names: c.769G>A, p.Gly257Arg (NM_001282424.3); short protein forms G257R, G748R.
Identifiers: ClinVar variation 1192194 (VCV001192194.7), dbSNP rs2136878186, ClinGen allele CA383833062.
Genomic context (GRCh38, chr12:8,851,791, plus strand): 5'-TTCTCCTTGCCCCACGCTACCTCTGCCTCATGTTGGTCCTTGTGTTTTCACAGTAACTCG[G>A]GGAAGGAGGCGGTCCACGTCACAGTTCCTGACGCCATCACCGAGTGGAAGGCGATGAGTT-3'
Protein context (NP_653271.3, residues 738-758): LWDLFPIGNS[Gly748Arg]KEAVHVTVPD

ClinVar aggregate classification (germline): Uncertain significance. Review status: criteria provided, multiple submitters, no conflicts (2 of 4 stars). 2 submissions from 2 submitters: Uncertain significance (2). Last evaluated 2025-10-01.

Allele frequency attached by ClinVar (database versions not stated): gnomAD exomes below 0.00001.
gnomAD v4.1: 2 of 1,614,032 alleles (0.00012%); highest among the groups gnomAD compares: Admixed American, 0.0033%; no homozygotes.

Submissions (2):

Labcorp Genetics (formerly Invitae), Labcorp
Classification: Uncertain significance. Last evaluated: 2025-10-01. Review status: criteria provided, single submitter. Criteria: Invitae Variant Classification Sherloc (09022015). Collection method: clinical testing. Allele origin: germline.
Comment: This sequence change replaces glycine, which is neutral and non-polar, with arginine, which is basic and polar, at codon 748 of the A2ML1 protein (p.Gly748Arg). This variant is not present in population databases (gnomAD no frequency). This variant has not been reported in the literature in individuals affected with A2ML1-related conditions. ClinVar contains an entry for this variant (Variation ID: 1192194). An algorithm developed to predict the effect of missense changes on protein structure and function (PolyPhen-2) suggests that this variant is likely to be disruptive. In summary, the available evidence is currently insufficient to determine the role of this variant in disease. Therefore, it has been classified as a Variant of Uncertain Significance.

Women's Health and Genetics/Laboratory Corporation of America, LabCorp
Classification: Uncertain significance. Last evaluated: 2021-07-19. Review status: criteria provided, single submitter. Criteria: LabCorp Variant Classification Summary - May 2015. Collection method: clinical testing. Allele origin: germline.
Comment: Variant summary: A2ML1 c.2242G>A (p.Gly748Arg) results in a non-conservative amino acid change located in the Alpha-2-macroglobulin domian (IPR001599) of the encoded protein sequence. Four of five in-silico tools predict a damaging effect of the variant on protein function. The variant was absent in 249342 control chromosomes (gnomAD). The available data on variant occurrences in the general population are insufficient to allow any conclusion about variant significance. To our knowledge, no occurrence of c.2242G>A in individuals affected with Noonan Syndrome and no experimental evidence demonstrating its impact on protein function have been reported. No clinical diagnostic laboratories have submitted clinical-significance assessments for this variant to ClinVar after 2014. Based on the evidence outlined above, the variant was classified as uncertain significance.